The following is an entry in ClinVar:

NM_000338.3(SLC12A1):c.2323_2326del (p.Asn775fs)

Gene: SLC12A1 (solute carrier family 12 member 1; plus strand). Cytogenetic location: 15q21.1.
Variant type: Deletion.
Coding change: c.2323_2326del on transcript NM_000338.3 (MANE Select); coding-DNA positions 2323 to 2326, 4 bases deleted (AACA; older notation c.2323_2326delAACA).
Protein change: p.Asn775fs; shifts the reading frame from asparagine 775.
Molecular consequence: frameshift variant.
Genome position (GRCh38, 1-based): chr15:48,269,685-48,269,688, AACA deleted; deleting any 4 consecutive bases within chr15:48,269,683-48,269,688 gives the same sequence; the c. name uses the placement nearest the transcript's 3' end. VCF-style (leftmost placement, unchanged base first): chr15-48269682-CCAAA-C. GRCh37 (hg19) VCF-style: chr15-48561879-CCAAA-C.
Other names: c.2323_2326del, p.Asn775fs (NM_001184832.2, NM_001384136.1); short protein forms N775fs.
Identifiers: ClinVar variation 4982118 (VCV004982118.1).

ClinVar aggregate classification (germline): Likely pathogenic (1 of 4 stars; one submission).

Conditions:
SLC12A1-related disorder. Also called: SLC12A1-related condition.

Submission:

PreventionGenetics, part of Exact Sciences
Classification: Likely pathogenic for SLC12A1-related condition. Last evaluated: 2025-05-25. Review status: criteria provided, single submitter. Criteria: ACMG Guidelines, 2015. Collection method: clinical testing. Allele origin: germline.
Comment: The SLC12A1 c.2323_2326delAACA variant is predicted to result in a frameshift and premature protein termination (p.Asn775Leufs*3). To our knowledge, this variant has not been reported in the literature or in a large population database (gnomAD), indicating this variant is rare. Frameshift variants in SLC12A1 are expected to be pathogenic. This variant is interpreted as likely pathogenic.